The following is an entry in ClinVar:

NM_016343.4(CENPF):c.532C>T (p.Arg178Ter)

Gene: CENPF (centromere protein F; plus strand). Cytogenetic location: 1q41.
Variant type: single nucleotide variant.
Coding change: c.532C>T on transcript NM_016343.4 (MANE Select); coding-DNA position 532, C replaced by T.
Protein change: p.Arg178Ter; replaces arginine 178 with a stop codon.
Molecular consequence: nonsense.
Genome position (GRCh38, 1-based): chr1:214,619,179, C>T. VCF-style: chr1-214619179-C-T. GRCh37 (hg19) VCF-style: chr1-214792522-C-T.
Other names: short protein forms R178*.
Identifiers: ClinVar variation 1452892 (VCV001452892.6), dbSNP rs199800194, ClinGen allele CA1389777.

ClinVar aggregate classification (germline): Pathogenic (1 of 4 stars; one submission).

Allele frequency attached by ClinVar (database versions not stated): ExAC 0.00003; TOPMed 0.00003; gnomAD exomes 0.00004; gnomAD 0.00005 and 0.00006; ESP Exome Variant Server 0.00008.
gnomAD v4.1: 53 of 1,586,340 alleles (0.0033%); highest among the groups gnomAD compares: African/African-American, 0.0068%; no homozygotes.

Submission:

Labcorp Genetics (formerly Invitae), Labcorp
Classification: Pathogenic. Last evaluated: 2021-06-28. Review status: criteria provided, single submitter. Criteria: Invitae Variant Classification Sherloc (09022015). Collection method: clinical testing. Allele origin: germline.
Comment: For these reasons, this variant has been classified as Pathogenic. This sequence change creates a premature translational stop signal (p.Arg178*) in the CENPF gene. It is expected to result in an absent or disrupted protein product. Loss-of-function variants in CENPF are known to be pathogenic (PMID: 25564561, 26820108). This variant is present in population databases (rs199800194, ExAC 0.01%). This variant has not been reported in the literature in individuals affected with CENPF-related conditions.

Literature cited by the submitters: PubMed 25564561; PubMed 26820108.